The following is an entry in ClinVar:

NM_000051.4(ATM):c.8011-5A>G

Genes: ATM (ATM serine/threonine kinase; plus strand), C11orf65 (chromosome 11 open reading frame 65; minus strand). Cytogenetic location: 11q22.3.
Variant type: single nucleotide variant.
Coding change: c.8011-5A>G on transcript NM_000051.4 (MANE Select); 5 bases into the intron before coding-DNA position 8011, A replaced by G.
Molecular consequence: intron variant.
Genome position (GRCh38, 1-based): chr11:108,334,964, A>G. VCF-style: chr11-108334964-A-G. GRCh37 (hg19) VCF-style: chr11-108205691-A-G.
Other names: c.8011-5A>G (NM_001351834.2); c.641-25893T>C (NM_001330368.2); c.*38+256T>C (NM_001351110.2).
Identifiers: ClinVar variation 1761656 (VCV001761656.25), dbSNP rs2136651958, ClinGen allele CA2580083027.

ClinVar aggregate classification (germline): Uncertain significance. Review status: criteria provided, multiple submitters, no conflicts (2 of 4 stars). 2 submissions from 2 submitters: Uncertain significance (2). Last evaluated 2025-05-25.

Conditions:
Hereditary cancer-predisposing syndrome. Also called: Hereditary neoplastic syndrome; Neoplastic Syndromes, Hereditary; Tumor predisposition; Hereditary Cancer Syndrome. Identifiers: Orphanet 140162, MedGen C0027672, MeSH D009386, MONDO:0015356.

Submissions (2):

Ambry Genetics
Classification: Uncertain significance for Hereditary cancer-predisposing syndrome. Last evaluated: 2025-05-25. Review status: criteria provided, single submitter. Criteria: Ambry Variant Classification Scheme 2023. Collection method: clinical testing. Allele origin: germline.
Comment: The c.8011-5A>G intronic variant results from an A to G substitution 5 nucleotides upstream from coding exon 54 in the ATM gene. This nucleotide position is not well conserved in available vertebrate species. In silico splice site analysis predicts that this alteration will not have any significant effect on splicing. Since supporting evidence is limited at this time, the clinical significance of this alteration remains unclear.

CeGaT Center for Human Genetics Tuebingen
Classification: Uncertain significance. Last evaluated: 2023-09-01. Review status: criteria provided, single submitter. Criteria: CeGaT Center For Human Genetics Tuebingen Variant Classification Criteria Version 2. Collection method: clinical testing. Allele origin: germline. Affected: yes. Observed: 1 variant allele.
Comment: ATM: PM2, BP4